The following is an entry in ClinVar:

NM_020928.2(ZSWIM6):c.2809A>G (p.Met937Val)

Gene: ZSWIM6 (zinc finger SWIM-type containing 6; plus strand). Cytogenetic location: 5q12.1.
Variant type: single nucleotide variant.
Coding change: c.2809A>G on transcript NM_020928.2 (MANE Select); coding-DNA position 2809, A replaced by G.
Protein change: p.Met937Val; replaces methionine 937 with valine.
Molecular consequence: missense variant.
Genome position (GRCh38, 1-based): chr5:61,543,478, A>G. VCF-style: chr5-61543478-A-G. GRCh37 (hg19) VCF-style: chr5-60839305-A-G.
Other names: short protein forms M937V.
Identifiers: ClinVar variation 3706643 (VCV003706643.2).
Genomic context (GRCh38, chr5:61,543,478, plus strand): 5'-CCTCGTCAGTAATAGAGCCTGTTTGTGTTCCTTGCAGGGGTTTATGCCCTGGACAGCATC[A>G]TGCAGACCTGGTTTACACTCTTTACTCCCACCGAGGCCACAAGTATAGTTGCAACTACCG-3'
Protein context (NP_065979.1, residues 927-947): EVGVYALDSI[Met937Val]QTWFTLFTPT

ClinVar aggregate classification (germline): Uncertain significance (1 of 4 stars; one submission).

gnomAD v4.1: 2 of 1,551,104 alleles (0.00013%); highest among the groups gnomAD compares: African/African-American, 0.0027%; no homozygotes.

Submission:

Labcorp Genetics (formerly Invitae), Labcorp
Classification: Uncertain significance. Last evaluated: 2025-02-24. Review status: criteria provided, single submitter. Criteria: Invitae Variant Classification Sherloc (09022015). Collection method: clinical testing. Allele origin: germline.
Comment: This sequence change replaces methionine, which is neutral and non-polar, with valine, which is neutral and non-polar, at codon 937 of the ZSWIM6 protein (p.Met937Val). This variant is not present in population databases (gnomAD no frequency). This variant has not been reported in the literature in individuals affected with ZSWIM6-related conditions. Invitae Evidence Modeling of protein sequence and biophysical properties (such as structural, functional, and spatial information, amino acid conservation, physicochemical variation, residue mobility, and thermodynamic stability) indicates that this missense variant is not expected to disrupt ZSWIM6 protein function with a negative predictive value of 80%. In summary, the available evidence is currently insufficient to determine the role of this variant in disease. Therefore, it has been classified as a Variant of Uncertain Significance.